The following is an entry in ClinVar:

NM_001130438.3(SPTAN1):c.5159A>G (p.Lys1720Arg)

Gene: SPTAN1 (spectrin alpha, non-erythrocytic 1; plus strand). Cytogenetic location: 9q34.11.
Variant type: single nucleotide variant.
Coding change: c.5159A>G on transcript NM_001130438.3 (MANE Select); coding-DNA position 5159, A replaced by G.
Protein change: p.Lys1720Arg; replaces lysine 1720 with arginine.
Molecular consequence: missense variant.
Genome position (GRCh38, 1-based): chr9:128,615,642, A>G. VCF-style: chr9-128615642-A-G. GRCh37 (hg19) VCF-style: chr9-131377921-A-G.
Other names: c.5084A>G, p.Lys1695Arg (NM_001195532.2); c.5159A>G, p.Lys1720Arg (NM_001363759.2, NM_001375310.1, NM_001375311.2 and 1 more transcripts); c.5099A>G, p.Lys1700Arg (NM_001363765.2, NM_001375314.2); c.5195A>G, p.Lys1732Arg (NM_001375312.2, NM_001375318.1); c.5144A>G, p.Lys1715Arg (NM_003127.4); short protein forms K1700R, K1695R, K1715R, K1720R, K1732R.
Identifiers: ClinVar variation 1507151 (VCV001507151.7), dbSNP rs1451766321, ClinGen allele CA375074005.
Genomic context (GRCh38, chr9:128,615,642, plus strand): 5'-GATAGCTGTGGGAGACCCAGTTTCTGACCCTCTTATGTCCCCTGCCCCAGGATCGCCTGA[A>G]GGACCTGAACAGCCAGGCAGACAGCCTGATGACCAGCAGTGCCTTCGACACCTCCCAAGT-3'
Protein context (NP_001123910.1, residues 1710-1730): ADISAHEDRL[Lys1720Arg]DLNSQADSLM

ClinVar aggregate classification (germline): Uncertain significance (1 of 4 stars; one submission).

Conditions:
Early-infantile DEE. Also called: Early infantile epileptic encephalopathy; Ohtahara syndrome; Early infantile epileptic encephalopathy with suppression bursts. Identifiers: Orphanet 1934, MedGen C0393706, MONDO:0800491.

Allele frequency attached by ClinVar (database versions not stated): gnomAD 0.00001; gnomAD exomes 0.00001.
gnomAD v4.1: 10 of 1,613,888 alleles (0.00062%); highest among the groups gnomAD compares: Non-Finnish European, 0.00085%; no homozygotes.

Submission:

Labcorp Genetics (formerly Invitae), Labcorp
Classification: Uncertain significance for Early-infantile DEE. Last evaluated: 2024-04-16. Review status: criteria provided, single submitter. Criteria: Invitae Variant Classification Sherloc (09022015). Collection method: clinical testing. Allele origin: germline.
Comment: This sequence change replaces lysine, which is basic and polar, with arginine, which is basic and polar, at codon 1720 of the SPTAN1 protein (p.Lys1720Arg). This variant is present in population databases (no rsID available, gnomAD 0.002%). This variant has not been reported in the literature in individuals affected with SPTAN1-related conditions. ClinVar contains an entry for this variant (Variation ID: 1507151). Advanced modeling of protein sequence and biophysical properties (such as structural, functional, and spatial information, amino acid conservation, physicochemical variation, residue mobility, and thermodynamic stability) has been performed at Invitae for this missense variant, however the output from this modeling did not meet the statistical confidence thresholds required to predict the impact of this variant on SPTAN1 protein function. In summary, the available evidence is currently insufficient to determine the role of this variant in disease. Therefore, it has been classified as a Variant of Uncertain Significance.